The following is an entry in ClinVar:

ClinVar aggregate classification (germline): Uncertain significance. Review status: criteria provided, multiple submitters, no conflicts (2 of 4 stars). 3 submissions from 3 submitters: Uncertain significance (3). Last evaluated 2023-08-22.

Conditions:
Interstitial lung disease due to ABCA3 deficiency. Also called: PULMONARY ALVEOLAR PROTEINOSIS, CONGENITAL, 3. Identifiers: Orphanet 440402, MedGen C1970456, MONDO:0012582, OMIM 610921.
Hereditary pulmonary alveolar proteinosis. Also called: Pulmonary surfactant metabolism dysfunction. Identifiers: Orphanet 264675, MedGen C3711368, MONDO:0012580.

Allele frequency attached by ClinVar (database versions not stated): TOPMed 0.00003.

Submissions (3):

Ambry Genetics
Classification: Uncertain significance for Hereditary pulmonary alveolar proteinosis. Last evaluated: 2023-08-22. Review status: criteria provided, single submitter. Criteria: Ambry Variant Classification Scheme 2023. Collection method: clinical testing. Allele origin: germline.

Johns Hopkins Genomics, Johns Hopkins University
Classification: Uncertain significance for Interstitial lung disease due to ABCA3 deficiency. Last evaluated: 2019-02-22. Review status: criteria provided, single submitter. Criteria: ACMG Guidelines, 2015. Collection method: clinical testing. Allele origin: germline.
Comment: This ABCA3 variant (rs771821923) is rare in large population datasets (gnomAD: 5/251164 total alleles; 0.002%; no homozygotes). This variant has not been reported in the literature, to our knowledge. A single submitter in ClinVar classifies this as a variant of uncertain clinical significance (Variation ID: 318487). Of two bioinformatics tools queried, one predicts that the substitution would be possibly damaging, while the second predicts that it would be damaging. The valine residue at this position is not highly evolutionarily conserved across the species assessed. Bioinformatic analysis predicts that this variant would not affect normal exon 18 splicing, although this has not been confirmed experimentally to our knowledge. The clinical significance of c.2341G>A is uncertain at this time.

Illumina Laboratory Services, Illumina
Classification: Uncertain significance for Interstitial lung disease due to ABCA3 deficiency. Last evaluated: 2018-01-13. Review status: criteria provided, single submitter. Criteria: ICSL Variant Classification Criteria 13 December 2019. Collection method: clinical testing. Allele origin: germline.

NM_001089.3(ABCA3):c.2341G>A (p.Val781Met)

Gene: ABCA3 (ATP binding cassette subfamily A member 3; minus strand). Cytogenetic location: 16p13.3.
Variant type: single nucleotide variant.
Coding change: c.2341G>A on transcript NM_001089.3 (MANE Select); coding-DNA position 2341, G replaced by A.
Protein change: p.Val781Met; replaces valine 781 with methionine.
Molecular consequence: missense variant.
Genome position (GRCh38, 1-based): chr16:2,295,663, C>T on the plus strand (G>A on the coding strand, the complement: ABCA3 is on the minus strand). VCF-style: chr16-2295663-C-T. GRCh37 (hg19) VCF-style: chr16-2345664-C-T.
Other names: short protein forms V781M.
Identifiers: ClinVar variation 318487 (VCV000318487.7), dbSNP rs771821923, ClinGen allele CA7840865.